The following is an entry in ClinVar:

NM_005391.5(PDK3):c.132_134del (p.Ser45del)

Gene: PDK3 (pyruvate dehydrogenase kinase 3; plus strand). Cytogenetic location: Xp22.11.
Variant type: Deletion.
Coding change: c.132_134del on transcript NM_005391.5 (MANE Select); coding-DNA positions 132 to 134, 3 bases deleted (TTC; older notation c.132_134delTTC).
Protein change: p.Ser45del; deletes serine 45.
Molecular consequence: inframe deletion.
Genome position (GRCh38, 1-based): chrX:24,494,767-24,494,769, TTC deleted; deleting any 3 consecutive bases within chrX:24,494,766-24,494,769 gives the same sequence; the c. name uses the placement nearest the transcript's 3' end. VCF-style (leftmost placement, unchanged base first): chrX-24494765-ACTT-A. GRCh37 (hg19) VCF-style: chrX-24512882-ACTT-A.
Other names: c.132_134del, p.Ser45del (NM_001142386.3); short protein forms S45del.
Identifiers: ClinVar variation 2766779 (VCV002766779.3), dbSNP rs2518575034, ClinGen allele CA2697552885.

ClinVar aggregate classification (germline): Uncertain significance (1 of 4 stars; one submission).

Conditions:
Charcot-Marie-Tooth disease X-linked dominant 6. Also called: CHARCOT-MARIE-TOOTH NEUROPATHY, X-LINKED DOMINANT, 6. Identifiers: Orphanet 352675, MedGen C3806702, MONDO:0010479, OMIM 300905.

Submission:

Labcorp Genetics (formerly Invitae), Labcorp
Classification: Uncertain significance for Charcot-Marie-Tooth disease X-linked dominant 6. Last evaluated: 2023-10-10. Review status: criteria provided, single submitter. Criteria: Invitae Variant Classification Sherloc (09022015). Collection method: clinical testing. Allele origin: germline.
Comment: This variant, c.132_134del, results in the deletion of 1 amino acid(s) of the PDK3 protein (p.Ser45del), but otherwise preserves the integrity of the reading frame. This variant is not present in population databases (gnomAD no frequency). This variant has not been reported in the literature in individuals affected with PDK3-related conditions. In summary, the available evidence is currently insufficient to determine the role of this variant in disease. Therefore, it has been classified as a Variant of Uncertain Significance.